The following is an entry in ClinVar:

ClinVar aggregate classification (germline): Uncertain significance (0 of 4 stars; one submission).

Conditions:
COL5A2-related disorder. Also called: COL5A2-related condition.

Submission:

PreventionGenetics, part of Exact Sciences
Classification: Uncertain significance for COL5A2-related condition. Last evaluated: 2023-12-12. Review status: no assertion criteria provided. Collection method: clinical testing. Allele origin: germline.
Comment: The COL5A2 c.1879G>A variant is predicted to result in the amino acid substitution p.Gly627Arg. To our knowledge, this variant has not been reported in the literature or in a large population database, indicating this variant is rare. This variant impact a glycine residue of the conserved collagen triple helical region (Gly-X-Y) where glycine changes are typically expected to be pathogenic. However, glycine changes at amino acid 627 as well as other glycine changes in exon 28 have not been previously documented in the literature. Although we suspect that this variant may be pathogenic, at this time, the clinical significance of this variant is uncertain due to the absence of conclusive functional and genetic evidence.

NM_000393.5(COL5A2):c.1879G>A (p.Gly627Arg)

Gene: COL5A2 (collagen type V alpha 2 chain; minus strand). Cytogenetic location: 2q32.2.
Variant type: single nucleotide variant.
Coding change: c.1879G>A on transcript NM_000393.5 (MANE Select); coding-DNA position 1879, G replaced by A.
Protein change: p.Gly627Arg; replaces glycine 627 with arginine.
Molecular consequence: missense variant.
Genome position (GRCh38, 1-based): chr2:189,063,054, C>T on the plus strand (G>A on the coding strand, the complement: COL5A2 is on the minus strand). VCF-style: chr2-189063054-C-T. GRCh37 (hg19) VCF-style: chr2-189927780-C-T.
Other names: short protein forms G627R.
Identifiers: ClinVar variation 3038339 (VCV003038339.2), dbSNP rs2469295269, ClinGen allele CA349879521.
Genomic context (GRCh38, chr2:189,063,054, plus strand): 5'-GAAAATGTATATTTACCCTCTGCCCAGGAACTCCAGCATTTCCTGCTTCTCCAGGTTTCC[C>T]AGGGTCACCCTAAAGAATAAATGAAACTTTTGTATAATTCCTTCAATTTGTCAAAAACAT-3'
Protein context (NP_000384.2, residues 617-637): PGPKGSSGDP[Gly627Arg]KPGEAGNAGV